The following is an entry in ClinVar:

NM_000104.4(CYP1B1):c.277_306delinsGG (p.Pro93fs)

Gene: CYP1B1 (cytochrome P450 family 1 subfamily B member 1; minus strand). Cytogenetic location: 2p22.2.
Variant type: Indel.
Coding change: c.277_306delinsGG on transcript NM_000104.4 (MANE Select); coding-DNA positions 277 to 306, CCCATAGTGGTGCTGAATGGCGAGCGCGCC replaced by GG.
Protein change: p.Pro93fs; shifts the reading frame from proline 93.
Molecular consequence: frameshift variant.
Genome position (GRCh38, 1-based): chr2:38,075,083-38,075,112, GGCGCGCTCGCCATTCAGCACCACTATGGG replaced by CC on the plus strand (CCCATAGTGGTGCTGAATGGCGAGCGCGCC replaced by GG on the coding strand, the reverse complement: CYP1B1 is on the minus strand). VCF-style: chr2-38075083-GGCGCGCTCGCCATTCAGCACCACTATGGG-CC. GRCh37 (hg19) VCF-style: chr2-38302226-GGCGCGCTCGCCATTCAGCACCACTATGGG-CC.
Other names: short protein forms P93fs.
Identifiers: ClinVar variation 2637448 (VCV002637448.2), dbSNP rs2465884568, ClinGen allele CA2695200450.

ClinVar aggregate classification (germline): Pathogenic/Likely pathogenic. Review status: criteria provided, multiple submitters, no conflicts (2 of 4 stars). 2 submissions from 2 submitters: Pathogenic (1); Likely pathogenic (1). Last evaluated 2023-10-25.

Conditions:
Anterior segment dysgenesis 6 (ASGD6). Also called: Anterior segment dysgenesis 6, multiple subtypes. Identifiers: MedGen C4310623, MONDO:0015016, OMIM 617315.
Primary congenital glaucoma. Also called: Primary congenital glaucoma (disease). Identifiers: MedGen C1533041, MONDO:0000365, HP:0008007.

Submissions (2):

Women's Health and Genetics/Laboratory Corporation of America, LabCorp
Classification: Pathogenic for Primary congenital glaucoma. Last evaluated: 2023-10-25. Review status: criteria provided, single submitter. Criteria: LabCorp Variant Classification Summary - May 2015. Collection method: clinical testing. Allele origin: germline.
Comment: Variant summary: CYP1B1 c.277_306delinsGG (p.Pro93GlyfsX50) results in a premature termination codon, predicted to cause a truncation of the encoded protein or absence of the protein due to nonsense mediated decay, which are commonly known mechanisms for disease. To our knowledge, no occurrence of c.277_306delinsGG in individuals affected with Primary Congenital Glaucoma and no experimental evidence demonstrating its impact on protein function have been reported. No submitters have cited clinical-significance assessments for this variant to ClinVar after 2014. Based on the evidence outlined above, the variant was classified as pathogenic.

Baylor Genetics
Classification: Likely pathogenic for Anterior segment dysgenesis 6. Last evaluated: 2023-09-19. Review status: criteria provided, single submitter. Criteria: ACMG Guidelines, 2015. Collection method: clinical testing. Allele origin: unknown.